The following is an entry in ClinVar:

NM_000089.4(COL1A2):c.818C>G (p.Ala273Gly)

Gene: COL1A2 (collagen type I alpha 2 chain; plus strand). Cytogenetic location: 7q21.3.
Variant type: single nucleotide variant.
Coding change: c.818C>G on transcript NM_000089.4 (MANE Select); coding-DNA position 818, C replaced by G.
Protein change: p.Ala273Gly; replaces alanine 273 with glycine.
Molecular consequence: missense variant.
Genome position (GRCh38, 1-based): chr7:94,409,347, C>G. VCF-style: chr7-94409347-C-G. GRCh37 (hg19) VCF-style: chr7-94038659-C-G.
Other names: short protein forms A273G.
Identifiers: ClinVar variation 4814074 (VCV004814074.1).

ClinVar aggregate classification (germline): Uncertain significance (1 of 4 stars; one submission).

Conditions:
Osteogenesis imperfecta, perinatal lethal (OI2). Also called: Osteogenesis imperfecta type 2; OSTEOGENESIS IMPERFECTA, TYPE II; OI, TYPE II; OSTEOGENESIS IMPERFECTA CONGENITA; VROLIK TYPE OF OSTEOGENESIS IMPERFECTA; Osteogenesis imperfecta, dominant perinatal lethal. Identifiers: Orphanet 216804, MedGen C0268358, MONDO:0008147, OMIM 166210.

Submission:

OLLIN Analises Genomicas, OLLIN
Classification: Uncertain significance for Osteogenesis imperfecta, perinatal lethal. Last evaluated: 2026-02-13. Review status: criteria provided, single submitter. Criteria: ACMG Guidelines 2015 PMID 25741868. Collection method: clinical testing. Allele origin: germline. Observed: 1 variant allele.
Comment: PM2_P, PP2